The following is an entry in ClinVar:

NM_014927.5(CNKSR2):c.3017del (p.Thr1005_Ser1006insTer)

Gene: CNKSR2 (connector enhancer of kinase suppressor of Ras 2; plus strand). Cytogenetic location: Xp22.12.
Variant type: Deletion.
Coding change: c.3017del on transcript NM_014927.5 (MANE Select); coding-DNA position 3017, one base deleted (C; older notation c.3017delC).
Protein change: p.Thr1005_Ser1006insTer.
Molecular consequence: nonsense.
Genome position (GRCh38, 1-based): chrX:21,652,433, C deleted. VCF-style (leftmost placement, unchanged base first): chrX-21652432-TC-T. GRCh37 (hg19) VCF-style: chrX-21670550-TC-T.
Other names: c.2927del, p.Thr975_Ser976insTer (NM_001168647.3); c.2870del, p.Thr956_Ser957insTer (NM_001330770.2); c.2780del, p.Thr926_Ser927insTer (NM_001330772.2).
Identifiers: ClinVar variation 422863 (VCV000422863.2), dbSNP rs1064796052, ClinGen allele CA16621303.

ClinVar aggregate classification (germline): Uncertain significance (1 of 4 stars; one submission).

Submission:

GeneDx
Classification: Uncertain significance. Last evaluated: 2017-01-05. Review status: criteria provided, single submitter. Criteria: GeneDx Variant Classification (06012015). Collection method: clinical testing. Allele origin: germline. Affected: yes.
Comment: The c.3017delC variant in the CNKSR2 gene has not been reported previously as a pathogenic variant nor as a benign variant, to our knowledge. The c.3017delC variant causes a frameshift, changing codon Serine to a premature Stop codon at position 1006 of the new reading frame, denoted p.Ser1006Ter. This variant is predicted to cause loss of normal protein function through protein truncation. The c.3017delC variant was not observed in approximately 6500 individuals of European and African American ancestry in the NHLBI Exome Sequencing Project, indicating it is not a common benign variant in these populations. We interpret c.3017delC as a variant of uncertain significance.